The following is an entry in ClinVar:

ClinVar aggregate classification (germline): Uncertain significance (1 of 4 stars; one submission).

gnomAD v4.1: 1 of 1,613,972 alleles (0.000062%); highest among the groups gnomAD compares: South Asian, 0.0011%; no homozygotes.

Submission:

GeneDx
Classification: Uncertain significance. Last evaluated: 2024-11-06. Review status: criteria provided, single submitter. Criteria: GeneDx Variant Classification Process June 2021. Collection method: clinical testing. Allele origin: germline. Affected: yes.
Comment: Not observed at significant frequency in large population cohorts (gnomAD); In silico analysis supports that this missense variant has a deleterious effect on protein structure/function; Has not been previously published as pathogenic or benign to our knowledge

NM_001374353.1(GLI2):c.2099T>C (p.Leu700Pro)

Gene: GLI2 (GLI family zinc finger 2; plus strand). Cytogenetic location: 2q14.2.
Variant type: single nucleotide variant.
Coding change: c.2099T>C on transcript NM_001374353.1 (MANE Select); coding-DNA position 2099, T replaced by C.
Protein change: p.Leu700Pro; replaces leucine 700 with proline.
Molecular consequence: missense variant.
Genome position (GRCh38, 1-based): chr2:120,986,471, T>C. VCF-style: chr2-120986471-T-C. GRCh37 (hg19) VCF-style: chr2-121744047-T-C.
Other names: c.2150T>C, p.Leu717Pro (NM_001371271.1, NM_005270.5); c.1724T>C, p.Leu575Pro (NM_001374354.1); short protein forms L575P, L700P, L717P.
Identifiers: ClinVar variation 3898997 (VCV003898997.1).